The following is an entry in ClinVar:

NM_145167.3(PIGM):c.1100G>T (p.Gly367Val)

Gene: PIGM (phosphatidylinositol glycan anchor biosynthesis class M; minus strand). Cytogenetic location: 1q23.2.
Variant type: single nucleotide variant.
Coding change: c.1100G>T on transcript NM_145167.3 (MANE Select); coding-DNA position 1100, G replaced by T.
Protein change: p.Gly367Val; replaces glycine 367 with valine.
Molecular consequence: missense variant.
Genome position (GRCh38, 1-based): chr1:160,030,640, C>A on the plus strand (G>T on the coding strand, the complement: PIGM is on the minus strand). VCF-style: chr1-160030640-C-A. GRCh37 (hg19) VCF-style: chr1-160000430-C-A.
Other names: short protein forms G367V.
Identifiers: ClinVar variation 1973487 (VCV001973487.5), dbSNP rs2525411622, ClinGen allele CA343236591.

ClinVar aggregate classification (germline): Uncertain significance (1 of 4 stars; one submission).

Conditions:
Hypercoagulability syndrome due to glycosylphosphatidylinositol deficiency (GPIBD1). Also called: GLYCOSYLPHOSPHATIDYLINOSITOL BIOSYNTHESIS DEFECT 1. Identifiers: Orphanet 83639, MedGen C5201145, MONDO:0012465, OMIM 610293.

Submission:

Labcorp Genetics (formerly Invitae), Labcorp
Classification: Uncertain significance for Hypercoagulability syndrome due to glycosylphosphatidylinositol deficiency. Last evaluated: 2022-02-28. Review status: criteria provided, single submitter. Criteria: Invitae Variant Classification Sherloc (09022015). Collection method: clinical testing. Allele origin: germline.
Comment: In summary, the available evidence is currently insufficient to determine the role of this variant in disease. Therefore, it has been classified as a Variant of Uncertain Significance. This variant has not been reported in the literature in individuals affected with PIGM-related conditions. This sequence change replaces glycine, which is neutral and non-polar, with valine, which is neutral and non-polar, at codon 367 of the PIGM protein (p.Gly367Val). This variant is not present in population databases (gnomAD no frequency). Algorithms developed to predict the effect of missense changes on protein structure and function are either unavailable or do not agree on the potential impact of this missense change (SIFT: "Tolerated"; PolyPhen-2: "Possibly Damaging"; Align-GVGD: "Class C0").